The following is an entry in ClinVar:

NM_000110.4(DPYD):c.12dup (p.Leu5fs)

Genes: DPYD (dihydropyrimidine dehydrogenase; minus strand), LOC129930998 (ATAC-STARR-seq lymphoblastoid silent region 1109; plus strand). Cytogenetic location: 1p21.3.
Variant type: Duplication.
Coding change: c.12dup on transcript NM_000110.4 (MANE Select); coding-DNA position 12, one base duplicated (G; older notation c.12dupG).
Protein change: p.Leu5fs; shifts the reading frame from leucine 5.
Molecular consequence: frameshift variant.
Genome position (GRCh38, 1-based): chr1:97,920,911, C duplicated on the plus strand (G on the coding strand, the reverse complement: DPYD is on the minus strand). VCF-style (leftmost placement, unchanged base first): chr1-97920910-G-GC. GRCh37 (hg19) VCF-style: chr1-98386466-G-GC.
Other names: c.12dup, p.Leu5fs (NM_001160301.1); c.12dupG (NM_000110.4); short protein forms L5fs.
Identifiers: ClinVar variation 4536140 (VCV004536140.1).
Genomic context (GRCh38, chr1:97,920,910, plus strand): 5'-CGCCACCACCGACGAGCCGGCGCGAAGTCCGTACCTCGATGTCCGCCGAGTCCTTACTGA[G>GC]CACAGGGGCCATGGCAGTGCCTACAGTCTCGAGTCTGCCAGTGACAAACCCTCCTTGCGT-3'

ClinVar aggregate classification (germline): Pathogenic (1 of 4 stars; one submission).

Conditions:
Dihydropyrimidine dehydrogenase deficiency (DPYDD). Also called: DPD DEFICIENCY; DPYD DEFICIENCY; Hereditary Thymine-Uraciluria. Identifiers: Orphanet 1675, MedGen C1959620, MONDO:0010130, OMIM 274270.

Submission:

Women's Health and Genetics/Laboratory Corporation of America, LabCorp
Classification: Pathogenic for Dihydropyrimidine dehydrogenase deficiency. Last evaluated: 2025-09-30. Review status: criteria provided, single submitter. Criteria: LabCorp Variant Classification Summary - May 2015. Collection method: clinical testing. Allele origin: germline.
Comment: Variant summary: DPYD c.12dupG (p.Leu5AlafsX3) results in a premature termination codon, predicted to cause a truncation of the encoded protein or absence of the protein due to nonsense mediated decay, which are commonly known mechanisms for disease. The variant was absent in 215900 control chromosomes. To our knowledge, no occurrence of c.12dupG in individuals affected with DPYD-related conditions and no experimental evidence demonstrating its impact on protein function have been reported. No submitters have cited clinical-significance assessments for this variant to ClinVar. Based on the evidence outlined above, the variant was classified as pathogenic.